The following is an entry in ClinVar:

ClinVar aggregate classification (germline): Uncertain significance (1 of 4 stars; one submission).

Conditions:
Generalized epilepsy-paroxysmal dyskinesia syndrome (PNKD3). Also called: Generalized epilepsy and paroxysmal dyskinesia; Paroxysmal nonkinesigenic dyskinesia, 3, with or without generalized epilepsy. Identifiers: Orphanet 79137, MedGen C5574945, MONDO:0012276, OMIM 609446.

Allele frequency attached by ClinVar (database versions not stated): TOPMed below 0.00001; gnomAD 0.00001; gnomAD exomes 0.00003.

Submission:

Labcorp Genetics (formerly Invitae), Labcorp
Classification: Uncertain significance for Generalized epilepsy-paroxysmal dyskinesia syndrome. Last evaluated: 2025-06-27. Review status: criteria provided, single submitter. Criteria: Invitae Variant Classification Sherloc (09022015). Collection method: clinical testing. Allele origin: germline.
Comment: This sequence change replaces serine, which is neutral and polar, with phenylalanine, which is neutral and non-polar, at codon 47 of the KCNMA1 protein (p.Ser47Phe). This variant is not present in population databases (gnomAD no frequency). This variant has not been reported in the literature in individuals affected with KCNMA1-related conditions. ClinVar contains an entry for this variant (Variation ID: 1398208). An algorithm developed to predict the effect of missense changes on protein structure and function (PolyPhen-2) suggests that this variant is likely to be disruptive. In summary, the available evidence is currently insufficient to determine the role of this variant in disease. Therefore, it has been classified as a Variant of Uncertain Significance.

NM_001161352.2(KCNMA1):c.140C>T (p.Ser47Phe)

Gene: KCNMA1 (potassium calcium-activated channel subfamily M alpha 1; minus strand). Cytogenetic location: 10q22.3.
Variant type: single nucleotide variant.
Coding change: c.140C>T on transcript NM_001161352.2 (MANE Select); coding-DNA position 140, C replaced by T.
Protein change: p.Ser47Phe; replaces serine 47 with phenylalanine.
Molecular consequence: missense variant.
Genome position (GRCh38, 1-based): chr10:77,637,503, G>A on the plus strand (C>T on the coding strand, the complement: KCNMA1 is on the minus strand). VCF-style: chr10-77637503-G-A. GRCh37 (hg19) VCF-style: chr10-79397261-G-A.
Other names: c.140C>T, p.Ser47Phe (NM_001014797.3, NM_001161353.2, NM_001271518.2 and 12 more transcripts); short protein forms S47F.
Identifiers: ClinVar variation 1398208 (VCV001398208.8), dbSNP rs907549386, ClinGen allele CA210159548.